The following is an entry in ClinVar:

NM_020893.6(CCDC180):c.2435C>G (p.Ser812Cys)

Genes: CCDC180 (coiled-coil domain containing 180; plus strand), SUGT1P4-STRA6LP-CCDC180 (SUGT1P4-STRA6LP-CCDC180 readthrough; plus strand). Cytogenetic location: 9q22.33.
Variant type: single nucleotide variant.
Coding change: c.2435C>G on transcript NM_020893.6 (MANE Select); coding-DNA position 2435, C replaced by G.
Protein change: p.Ser812Cys; replaces serine 812 with cysteine.
Molecular consequence: missense variant. On other transcripts: non-coding transcript variant (3).
Genome position (GRCh38, 1-based): chr9:97,343,500, C>G. VCF-style: chr9-97343500-C-G. GRCh37 (hg19) VCF-style: chr9-100105782-C-G.
Other names: c.2426C>G, p.Ser809Cys (NM_001348010.4); short protein forms S809C, S812C.
Identifiers: ClinVar variation 1268803 (VCV001268803.2), dbSNP rs2061634, ClinGen allele CA5145576.
Genomic context (GRCh38, chr9:97,343,500, plus strand): 5'-AAGAAGAGCATTGTAGGAAGTCCCATTCCACCTTCTCAGCCATGTTCATCAACGACACTT[C>G]CAGTGCCAAGTTCATAGAACAAGTGACAATTCCATCGAGACTAATTTTAGAAATTAAGAA-3'
Protein context (NP_065944.3, residues 802-822): TFSAMFINDT[Ser812Cys]SAKFIEQVTI

ClinVar aggregate classification (germline): Benign. Review status: criteria provided, multiple submitters, no conflicts (2 of 4 stars). 2 submissions from 2 submitters: Benign (2). Last evaluated 2020-02-17.

Allele frequency attached by ClinVar (database versions not stated): gnomAD exomes 0.26010 and 0.26574; ExAC 0.26867; 1000 Genomes Project 0.27835; 1000 Genomes Project 30x 0.28670; gnomAD 0.29589 and 0.29896; TOPMed 0.31153; ESP Exome Variant Server 0.32254.
gnomAD v4.1: 425,924 of 1,612,734 alleles (26%); highest among the groups gnomAD compares: African/African-American, 42%; 58,719 homozygotes.

Submissions (2):

GeneDx
Classification: Benign. Last evaluated: 2020-02-17. Review status: criteria provided, single submitter. Criteria: GeneDx Variant Classification Process June 2021. Collection method: clinical testing. Allele origin: germline. Affected: yes.
Comment: This variant is associated with the following publications: (PMID: 19442274)

Breakthrough Genomics
Classification: Benign. Review status: criteria provided, single submitter. Criteria: ACMG Guidelines, 2015. Collection method: not provided. Allele origin: germline. Inheritance: Unknown mechanism. Affected: yes.